The following is an entry in ClinVar:

ClinVar aggregate classification (germline): Pathogenic (1 of 4 stars; one submission).

Conditions:
Diamond-Blackfan anemia. Also called: Blackfan Diamond syndrome; Aregenerative anemia chronic congenital; Red cell aplasia, pure hereditary; Congenital hypoplastic anemia; Aase syndrome. Identifiers: Orphanet 124, MedGen C1260899, MeSH D029503, MONDO:0015253, HP:0004810.

Submission:

Ambry Genetics
Classification: Pathogenic for Diamond-Blackfan anemia. Last evaluated: 2018-04-05. Review status: criteria provided, single submitter. Criteria: Ambry Variant Classification Scheme 2023. Collection method: clinical testing. Allele origin: germline.
Comment: The p.Q12* pathogenic mutation (also known as c.34C>T), located in coding exon 1 of the RPS19 gene, results from a C to T substitution at nucleotide position 34. This changes the amino acid from a glutamine to a stop codon within coding exon 1. This mutation has been reported in 3 unrelated individuals with Diamond-Blackfan anemia (Willig TN et al. Blood, 1999 Dec;94:4294-306; Orfali KA et al. Br. J. Haematol., 2004 Apr;125:243-52). In addition to the clinical data presented in the literature, this alteration is expected to result in loss of function by premature protein truncation or nonsense-mediated mRNA decay. As such, this alteration is interpreted as a disease-causing mutation.

Literature cited by the submitters: PubMed 10590074; PubMed 15059149; PubMed 17053056; PubMed 18412286.

NM_001022.4(RPS19):c.34C>T (p.Gln12Ter)

Genes: RPS19 (ribosomal protein S19; plus strand), RPS19-CD79A (RPS19-CD79A readthrough; plus strand). Cytogenetic location: 19q13.2.
Variant type: single nucleotide variant.
Coding change: c.34C>T on transcript NM_001022.4 (MANE Select); coding-DNA position 34, C replaced by T.
Protein change: p.Gln12Ter; replaces glutamine 12 with a stop codon.
Molecular consequence: nonsense.
Genome position (GRCh38, 1-based): chr19:41,860,808, C>T. VCF-style: chr19-41860808-C-T. GRCh37 (hg19) VCF-style: chr19-42364878-C-T.
Other names: c.34C>T, p.Gln12Ter (NM_001321483.2, NM_001321484.2, NM_001321485.2); short protein forms Q12*.
Identifiers: ClinVar variation 1732047 (VCV001732047.2), dbSNP rs2513666127, ClinGen allele CA406046217.